The following is an entry in ClinVar:

NM_001195248.2(APTX):c.210A>G (p.Ser70=)

Gene: APTX (aprataxin; minus strand). Cytogenetic location: 9p21.1.
Variant type: single nucleotide variant.
Coding change: c.210A>G on transcript NM_001195248.2 (MANE Select); coding-DNA position 210, A replaced by G.
Protein change: p.Ser70=; no amino-acid change (serine 70 retained).
Molecular consequence: synonymous variant. On other transcripts: 5 prime UTR variant (8), non-coding transcript variant (3), intron variant (4).
Genome position (GRCh38, 1-based): chr9:32,987,817, T>C on the plus strand (A>G on the coding strand, the complement: APTX is on the minus strand). VCF-style: chr9-32987817-T-C. GRCh37 (hg19) VCF-style: chr9-32987815-T-C.
Other names: c.210A>G, p.Ser70= (NM_001195249.2, NM_001195251.2, NM_001195252.2 and 7 more transcripts); c.-55A>G (NM_001369002.1, NM_001369003.1, NM_001369004.1 and 5 more transcripts); c.134-86A>G (NM_001369001.1, NM_001369000.1, NM_001195250.2 and 1 more transcripts).
Identifiers: ClinVar variation 798898 (VCV000798898.17), dbSNP rs138511333, ClinGen allele CA5022559.

ClinVar aggregate classification (germline): Likely benign. Review status: criteria provided, multiple submitters, no conflicts (2 of 4 stars). 4 submissions from 4 submitters: Likely benign (4). Last evaluated 2026-06-01.

Allele frequency attached by ClinVar (database versions not stated): 1000 Genomes Project 30x 0.00016; 1000 Genomes Project 0.00020; gnomAD 0.00002 and 0.00003; TOPMed 0.00003; ESP Exome Variant Server 0.00008.
gnomAD v4.1: 34 of 1,613,828 alleles (0.0021%); highest among the groups gnomAD compares: Admixed American, 0.047%; no homozygotes.

Submissions (4):

CeGaT Center for Human Genetics Tuebingen
Classification: Likely benign. Last evaluated: 2026-06-01. Review status: criteria provided, single submitter. Criteria: CeGaT Center For Human Genetics Tuebingen Variant Classification Criteria Version 2. Collection method: clinical testing. Allele origin: germline. Affected: yes. Observed: 2 variant alleles.
Comment: APTX: BP4, BP7

Labcorp Genetics (formerly Invitae), Labcorp
Classification: Likely benign. Last evaluated: 2024-08-19. Review status: criteria provided, single submitter. Criteria: Invitae Variant Classification Sherloc (09022015). Collection method: clinical testing. Allele origin: germline.

Blueprint Genetics
Classification: Likely benign. Last evaluated: 2024-03-05. Review status: criteria provided, single submitter. Criteria: ACMG Guidelines, 2015. Collection method: clinical testing. Allele origin: germline.

Athena Diagnostics
Classification: Likely benign. Last evaluated: 2024-01-11. Review status: criteria provided, single submitter. Criteria: Athena Diagnostics Criteria. Collection method: clinical testing. Allele origin: unknown.

Literature cited by the submitters: PubMed 34482353 (cited by Athena Diagnostics).